The following is an entry in ClinVar:

ClinVar aggregate classification (germline): Likely benign (1 of 4 stars; one submission).

Submission:

CeGaT Center for Human Genetics Tuebingen
Classification: Likely benign. Last evaluated: 2023-01-01. Review status: criteria provided, single submitter. Criteria: CeGaT Center For Human Genetics Tuebingen Variant Classification Criteria Version 2. Collection method: clinical testing. Allele origin: germline. Affected: yes. Observed: 2 variant alleles.
Comment: MUC4: BS2

NM_018406.7(MUC4):c.3605_3652del (p.Leu1202_Leu1217del)

Gene: MUC4 (mucin 4, cell surface associated). Cytogenetic location: 3q29.
Variant type: Indel.
Coding change: c.3605_3652del on transcript NM_018406.7 (MANE Select); coding-DNA positions 3605 to 3652, 48 bases deleted.
Protein change: p.Leu1202_Leu1217del.
Molecular consequence: inframe deletion. On other transcripts: genic upstream transcript variant (2).
Genome position: GRCh38: chr3:195,787,944-195,787,991. GRCh37 (hg19): chr3:195,514,815-195,514,862.
Other names: c.4477_4524del, p.Ser1493_Thr1508del (NM_001322468.1); c.83-13670_83-13623del (NM_138297.5); c.83-9520_83-9473del (NM_004532.6).
Identifiers: ClinVar variation 2654480 (VCV002654480.24), dbSNP rs752021974, ClinGen allele CA2774489.